The following is an entry in ClinVar:

NM_018006.5(TRMU):c.1073_1081dup (p.Gln358_Val360dup)

Gene: TRMU (tRNA mitochondrial 2-thiouridylase; plus strand). Cytogenetic location: 22q13.31.
Variant type: Duplication.
Coding change: c.1073_1081dup on transcript NM_018006.5 (MANE Select); coding-DNA positions 1073 to 1081, 9 bases duplicated (AGGCTGTGC; older notation c.1073_1081dupAGGCTGTGC).
Protein change: p.Gln358_Val360dup.
Molecular consequence: inframe insertion. On other transcripts: non-coding transcript variant (2), intron variant (2).
Genome position (GRCh38, 1-based): chr22:46,356,044-46,356,052, AGGCTGTGC duplicated; duplicating any 9 consecutive bases within chr22:46,356,037-46,356,052 gives the same sequence; the c. name uses the placement nearest the transcript's 3' end. VCF-style (leftmost placement, unchanged base first): chr22-46356036-A-AGCTGTGCAG. GRCh37 (hg19) VCF-style: chr22-46751933-A-AGCTGTGCAG.
Other names: c.731_739dup, p.Gln244_Val246dup (NM_001282782.2); c.653_661dup, p.Gln218_Val220dup (NM_001282783.2); c.1018+456_1018+464dup (NM_001282785.2); c.598+456_598+464dup (NM_001282784.2); c.1073_1081dupAGGCTGTGC (NM_018006.4, NM_018006.5); c.1066_1074dup (NM_018006.4).
Identifiers: ClinVar variation 552491 (VCV000552491.31), dbSNP rs753112330, ClinGen allele CA10292398.

ClinVar aggregate classification (germline): Conflicting classifications of pathogenicity. Review status: criteria provided, conflicting classifications (1 of 4 stars). 11 submissions from 11 submitters: Pathogenic (4); Likely pathogenic (4); Uncertain significance (2). 1 of the submissions does not count toward it. Last evaluated 2025-11-10.

Conditions:
Aminoglycoside-induced deafness. Also called: DEAFNESS, STREPTOMYCIN-INDUCED; MT-RNR1-Related Hearing Loss and Deafness; STREPTOMYCIN OTOTOXICITY. Identifiers: Orphanet 168609, MedGen C1838854, MONDO:0010799, OMIM 580000.
Acute infantile liver failure due to synthesis defect of mtDNA-encoded proteins. Also called: TRMU Deficiency; LIVER FAILURE, INFANTILE, TRANSIENT; Liver failure acute infantile. Identifiers: Orphanet 217371, MedGen C3278664, MONDO:0013111, OMIM 613070.

Submissions (11):

Natera, Inc.
Classification: Likely pathogenic for Acute infantile liver failure due to synthesis defect of mtDNA-encoded proteins. Last evaluated: 2025-11-10. Review status: criteria provided, single submitter. Criteria: Natera Variant Classification Schema (03/2026). Collection method: clinical testing. Allele origin: germline.
Comment: The c.1073_1081dupAGGCTGTGC variant in TRMU is an in-frame insertion. This variant is rare in the general population with a frequency below the threshold expected for the associated phenotype(s). This variant has been observed in one or more individuals affected with the associated recessive disease, as either homozygous or compound heterozygous with a second variant (PMID: 21153446, 30369941, 37976411, 36305855). This variant results in a change to the protein length while preserving reading frame, which may disrupt normal protein structure or function. Given the available evidence, this variant is classified as Likely Pathogenic.

Women's Health and Genetics/Laboratory Corporation of America, LabCorp
Classification: Pathogenic for Acute infantile liver failure due to synthesis defect of mtDNA-encoded proteins. Last evaluated: 2025-06-04. Review status: criteria provided, single submitter. Criteria: LabCorp Variant Classification Summary - May 2015. Collection method: clinical testing. Allele origin: germline.
Comment: Variant summary: TRMU c.1073_1081dupAGGCTGTGC (p.Gln358_Val360dup) results in an in-frame duplication that is predicted to duplicate three amino acids into the encoded protein. The variant allele was found at a frequency of 2e-05 in 251186 control chromosomes. c.1073_1081dupAGGCTGTGC has been reported in the literature in individuals affected with Leigh syndrome with liver failure and with defects in mitochondrial complexes I and IV (e.g., Sala-Coromina_2021, Theunissen_2018, Kemp_2011, Schara_2010, Vogel_2023). These data indicate that the variant is very likely to be associated with disease. The following publications have been ascertained in the context of this evaluation (PMID: 33365252, 30369941, 21169334, 21153446, 37272928). ClinVar contains an entry for this variant (Variation ID: 552491). Based on the evidence outlined above, the variant was classified as pathogenic.

Service de Génétique Médicale, Centre Hospitalier Universitaire de Nice-Université Côte d'Azur
Classification: Likely pathogenic for Acute infantile liver failure due to synthesis defect of mtDNA-encoded proteins. Last evaluated: 2024-02-27. Review status: criteria provided, single submitter. Criteria: ACMG Guidelines, 2015. Collection method: clinical testing. Allele origin: germline. Affected: yes.

Labcorp Genetics (formerly Invitae), Labcorp
Classification: Pathogenic. Last evaluated: 2024-02-24. Review status: criteria provided, single submitter. Criteria: Invitae Variant Classification Sherloc (09022015). Collection method: clinical testing. Allele origin: germline.
Comment: This variant, c.1073_1081dup, results in the insertion of 3 amino acid(s) of the TRMU protein (p.Gln358_Val360dup), but otherwise preserves the integrity of the reading frame. This variant is present in population databases (rs753112330, gnomAD 0.008%). This variant has been observed in individual(s) with acute infantile liver failure (PMID: 21169334, 30369941, 33365252). In at least one individual the data is consistent with being in trans (on the opposite chromosome) from a pathogenic variant. This variant is also known as c.1081_1082insAGGCTGTGC. ClinVar contains an entry for this variant (Variation ID: 552491). For these reasons, this variant has been classified as Pathogenic.

Baylor Genetics
Classification: Likely pathogenic for Aminoglycoside-induced deafness. Last evaluated: 2024-02-12. Review status: criteria provided, single submitter. Criteria: ACMG Guidelines, 2015. Collection method: clinical testing. Allele origin: unknown.

Fulgent Genetics
Classification: Pathogenic for Aminoglycoside-induced deafness; Acute infantile liver failure due to synthesis defect of mtDNA-encoded proteins. Last evaluated: 2024-02-06. Review status: criteria provided, single submitter. Criteria: ACMG Guidelines, 2015. Collection method: clinical testing. Allele origin: germline.

MGZ Medical Genetics Center
Classification: Uncertain significance for Acute infantile liver failure due to synthesis defect of mtDNA-encoded proteins. Last evaluated: 2022-09-01. Review status: criteria provided, single submitter. Criteria: ACMG Guidelines, 2015. Collection method: clinical testing. Allele origin: germline. Affected: yes. Observed: 2 variant alleles.
Comment: ACMG criteria applied: PM3, PM4, PM2_SUP

GeneDx
Classification: Likely pathogenic. Last evaluated: 2021-04-02. Review status: criteria provided, single submitter. Criteria: GeneDx Variant Classification Process June 2021. Collection method: clinical testing. Allele origin: germline. Affected: yes.
Comment: In-frame insertion of 3 amino acids in a non-repeat region; Not observed at a significant frequency in large population cohorts (Lek et al., 2016); This variant is associated with the following publications: (PMID: 21169334, 30369941, 21153446, 25407320, 27854233)

Eurofins Ntd Llc (ga)
Classification: Uncertain significance. Last evaluated: 2018-08-22. Review status: criteria provided, single submitter. Criteria: EGL ClinVar v180209 classification definitions. Collection method: clinical testing. Allele origin: germline.

Institute of Human Genetics Munich, TUM University Hospital
Classification: Pathogenic for Acute infantile liver failure due to synthesis defect of mtDNA-encoded proteins. Last evaluated: 2018-01-16. Review status: criteria provided, single submitter. Criteria: Classification criteria August 2017. Collection method: clinical testing. Allele origin: germline. Inheritance: Autosomal recessive inheritance. Affected: yes. Observed: 1 compound heterozygote.

Counsyl
Classification: Uncertain significance for Acute infantile liver failure due to synthesis defect of mtDNA-encoded proteins. Last evaluated: 2017-06-20. Review status: no assertion criteria provided. Collection method: clinical testing. Allele origin: unknown. Not counted in ClinVar's aggregate classification.

Literature cited by the submitters: PubMed 21153446 (cited by 3 submitters); PubMed 30369941 (cited by 3 submitters); PubMed 37976411 (cited by Natera, Inc.); PubMed 36305855 (cited by Natera, Inc. and Women's Health and Genetics/Laboratory Corporation of America, LabCorp); PubMed 33365252 (cited by Women's Health and Genetics/Laboratory Corporation of America, LabCorp and Labcorp Genetics (formerly Invitae), Labcorp); PubMed 21169334 (cited by 4 submitters); PubMed 38703036 (cited by Service de Génétique Médicale, Centre Hospitalier Universitaire de Nice-Université Côte d'Azur).